The following is an entry in ClinVar:

NM_006363.6(SEC23B):c.658C>T (p.Gln220Ter)

Genes: SEC23B (SEC23 homolog B, COPII component; plus strand), LOC126862987 (MED14-independent group 3 enhancer GRCh37_chr20:18504796-18505995; plus strand). Cytogenetic location: 20p11.23.
Variant type: single nucleotide variant.
Coding change: c.658C>T on transcript NM_006363.6 (MANE Select); coding-DNA position 658, C replaced by T.
Protein change: p.Gln220Ter; replaces glutamine 220 with a stop codon.
Molecular consequence: nonsense.
Genome position (GRCh38, 1-based): chr20:18,524,989, C>T. VCF-style: chr20-18524989-C-T. GRCh37 (hg19) VCF-style: chr20-18505633-C-T.
Other names: c.658C>T, p.Gln220Ter (NM_001172745.3, NM_032985.6, NM_032986.5); c.604C>T, p.Gln202Ter (NM_001172746.3); short protein forms Q202*, Q220*.
Identifiers: ClinVar variation 4281620 (VCV004281620.2).

ClinVar aggregate classification (germline): Likely pathogenic. Review status: criteria provided, multiple submitters, no conflicts (2 of 4 stars). 2 submissions from 2 submitters: Likely pathogenic (2). Last evaluated 2025-10-21.

Conditions:
Congenital dyserythropoietic anemia, type II (CDAN2). Also called: DYSERYTHROPOIETIC ANEMIA, HEMPAS TYPE. Identifiers: Orphanet 98873, MedGen C1306589, MONDO:0009134, OMIM 224100.
SEC23B-related disorder. Also called: SEC23B-related condition; SEC23B-related disorders.

Submissions (2):

Department of Haematogenetics, ICMR National Institute of Immunohaematology
Classification: Likely pathogenic for Congenital dyserythropoietic anemia, type II. Last evaluated: 2025-10-21. Review status: criteria provided, single submitter. Criteria: ACMG Guidelines, 2015. Collection method: research. Allele origin: germline. Affected: yes.
Comment: This variant is classified as Likley Pathogenic (PVS1+PM2) as per the ACMG guidelines.The variant was identified in compound heterozygous state with another SEC23B variant (c.74C>A).

Blueprint Genetics
Classification: Likely pathogenic for SEC23B-related disorders. Last evaluated: 2020-01-20. Review status: criteria provided, single submitter. Criteria: ACMG Guidelines, 2015. Collection method: clinical testing. Allele origin: germline. Affected: yes. Observed: 1 variant allele.